The following is an entry in ClinVar:

NM_022041.4(GAN):c.384del (p.Gly127_Cys128insTer)

Gene: GAN (gigaxonin; plus strand). Cytogenetic location: 16q23.2.
Variant type: Deletion.
Coding change: c.384del on transcript NM_022041.4 (MANE Select); coding-DNA position 384, one base deleted (C; older notation c.384delC).
Protein change: p.Gly127_Cys128insTer.
Molecular consequence: nonsense. On other transcripts: 5 prime UTR variant (1).
Genome position (GRCh38, 1-based): chr16:81,354,506, C deleted. VCF-style (leftmost placement, unchanged base first): chr16-81354505-GC-G. GRCh37 (hg19) VCF-style: chr16-81388110-GC-G.
Other names: c.-256del (NM_001377486.1).
Identifiers: ClinVar variation 1075713 (VCV001075713.7), dbSNP rs1910419866, ClinGen allele CA912996548.

ClinVar aggregate classification (germline): Pathogenic (1 of 4 stars; one submission).

Conditions:
Giant axonal neuropathy 1 (GAN1). Also called: GIANT AXONAL NEUROPATHY 1, AUTOSOMAL RECESSIVE; GAN-Related Neurodegeneration. Identifiers: Orphanet 643, MedGen C1850386, MONDO:0009749, OMIM 256850.

Allele frequency attached by ClinVar (database versions not stated): gnomAD exomes 0.00003; TOPMed below 0.00001.

Submission:

Labcorp Genetics (formerly Invitae), Labcorp
Classification: Pathogenic for Giant axonal neuropathy 1. Last evaluated: 2020-10-12. Review status: criteria provided, single submitter. Criteria: Invitae Variant Classification Sherloc (09022015). Collection method: clinical testing. Allele origin: germline.
Comment: This variant is not present in population databases (ExAC no frequency). For these reasons, this variant has been classified as Pathogenic. Loss-of-function variants in GAN are known to be pathogenic (PMID: 12655563, 14718689, 23890932). This variant has not been reported in the literature in individuals with GAN-related conditions. This sequence change creates a premature translational stop signal (p.Cys128*) in the GAN gene. It is expected to result in an absent or disrupted protein product.

Literature cited by the submitters: PubMed 12655563; PubMed 14718689; PubMed 23890932.